The following is an entry in ClinVar:

NM_001037333.3(CYFIP2):c.111G>A (p.Met37Ile)

Gene: CYFIP2 (cytoplasmic FMR1 interacting protein 2; plus strand). Cytogenetic location: 5q33.3.
Variant type: single nucleotide variant.
Coding change: c.111G>A on transcript NM_001037333.3 (MANE Select); coding-DNA position 111, G replaced by A.
Protein change: p.Met37Ile; replaces methionine 37 with isoleucine.
Molecular consequence: missense variant.
Genome position (GRCh38, 1-based): chr5:157,285,472, G>A. VCF-style: chr5-157285472-G-A. GRCh37 (hg19) VCF-style: chr5-156712482-G-A.
Other names: c.111G>A, p.Met37Ile (NM_001291721.2, NM_001291722.2, NM_014376.4); short protein forms M37I.
Identifiers: ClinVar variation 1994973 (VCV001994973.4), dbSNP rs369640959, ClinGen allele CA361965392.

ClinVar aggregate classification (germline): Uncertain significance (1 of 4 stars; one submission).

Submission:

Labcorp Genetics (formerly Invitae), Labcorp
Classification: Uncertain significance. Last evaluated: 2022-06-27. Review status: criteria provided, single submitter. Criteria: Invitae Variant Classification Sherloc (09022015). Collection method: clinical testing. Allele origin: germline.
Comment: In summary, the available evidence is currently insufficient to determine the role of this variant in disease. Therefore, it has been classified as a Variant of Uncertain Significance. Algorithms developed to predict the effect of missense changes on protein structure and function are either unavailable or do not agree on the potential impact of this missense change (SIFT: "Tolerated"; PolyPhen-2: "Not Available"; Align-GVGD: "Class C0"). This variant has not been reported in the literature in individuals affected with CYFIP2-related conditions. This variant is not present in population databases (gnomAD no frequency). This sequence change replaces methionine, which is neutral and non-polar, with isoleucine, which is neutral and non-polar, at codon 37 of the CYFIP2 protein (p.Met37Ile).